The following is an entry in ClinVar:

NM_001048166.1(STIL):c.1134G>A (p.Arg378=)

Gene: STIL (STIL centriolar assembly protein; minus strand). Cytogenetic location: 1p33.
Variant type: single nucleotide variant.
Coding change: c.1134G>A on transcript NM_001048166.1 (MANE Select); coding-DNA position 1134, G replaced by A.
Protein change: p.Arg378=; no amino-acid change (arginine 378 retained).
Molecular consequence: synonymous variant.
Genome position (GRCh38, 1-based): chr1:47,282,459, C>T on the plus strand (G>A on the coding strand, the complement: STIL is on the minus strand). VCF-style: chr1-47282459-C-T. GRCh37 (hg19) VCF-style: chr1-47748131-C-T.
Other names: c.1134G>A, p.Arg378= (NM_001282936.1, NM_001282937.1, NM_003035.2); c.993G>A, p.Arg331= (NM_001282938.1, NM_001282939.1, NM_001377417.1).
Identifiers: ClinVar variation 1477294 (VCV001477294.6), dbSNP rs1240263164, ClinGen allele CA417775197.

ClinVar aggregate classification (germline): Uncertain significance (1 of 4 stars; one submission).

Allele frequency attached by ClinVar (database versions not stated): gnomAD 0.00001.
gnomAD v4.1: 1 of 1,594,072 alleles (0.000063%); highest among the groups gnomAD compares: African/African-American, 0.0013%; no homozygotes.

Submission:

Labcorp Genetics (formerly Invitae), Labcorp
Classification: Uncertain significance. Last evaluated: 2021-12-16. Review status: criteria provided, single submitter. Criteria: Invitae Variant Classification Sherloc (09022015). Collection method: clinical testing. Allele origin: germline.
Comment: In summary, the available evidence is currently insufficient to determine the role of this variant in disease. Therefore, it has been classified as a Variant of Uncertain Significance. Algorithms developed to predict the effect of sequence changes on RNA splicing suggest that this variant is not likely to affect RNA splicing. This variant has not been reported in the literature in individuals affected with STIL-related conditions. This variant is present in population databases (no rsID available, gnomAD 0.01%). This sequence change affects codon 378 of the STIL mRNA. It is a 'silent' change, meaning that it does not change the encoded amino acid sequence of the STIL protein. It affects a nucleotide within the consensus splice site.